The following is an entry in ClinVar:

ClinVar aggregate classification (germline): Uncertain significance (1 of 4 stars; one submission).

Conditions:
COG5-congenital disorder of glycosylation. Also called: CONGENITAL DISORDER OF GLYCOSYLATION, TYPE IIi; CDG IIi; COG5-CDG. Identifiers: Orphanet 263487, MedGen C3150876, MONDO:0013325, OMIM 613612.

Allele frequency attached by ClinVar (database versions not stated): TOPMed 0.00005; gnomAD 0.00007; ESP Exome Variant Server 0.00008; gnomAD exomes 0.00008 and 0.00014; ExAC 0.00011; 1000 Genomes Project 0.00020; 1000 Genomes Project 30x 0.00031.
gnomAD v4.1: 204 of 1,590,598 alleles (0.013%); highest among the groups gnomAD compares: Non-Finnish European, 0.017%; no homozygotes.

Submission:

Labcorp Genetics (formerly Invitae), Labcorp
Classification: Uncertain significance for COG5-congenital disorder of glycosylation. Last evaluated: 2022-07-11. Review status: criteria provided, single submitter. Criteria: Invitae Variant Classification Sherloc (09022015). Collection method: clinical testing. Allele origin: germline.
Comment: This sequence change replaces asparagine, which is neutral and polar, with aspartic acid, which is acidic and polar, at codon 227 of the COG5 protein (p.Asn227Asp). This variant is present in population databases (rs201841638, gnomAD 0.01%). This variant has not been reported in the literature in individuals affected with COG5-related conditions. ClinVar contains an entry for this variant (Variation ID: 1390912). Algorithms developed to predict the effect of missense changes on protein structure and function (SIFT, PolyPhen-2, Align-GVGD) all suggest that this variant is likely to be tolerated. In summary, the available evidence is currently insufficient to determine the role of this variant in disease. Therefore, it has been classified as a Variant of Uncertain Significance.

NM_006348.5(COG5):c.586A>G (p.Asn196Asp)

Gene: COG5 (component of oligomeric golgi complex 5; minus strand). Cytogenetic location: 7q22.3.
Variant type: single nucleotide variant.
Coding change: c.586A>G on transcript NM_006348.5 (MANE Select); coding-DNA position 586, A replaced by G.
Protein change: p.Asn196Asp; replaces asparagine 196 with aspartic acid.
Molecular consequence: missense variant. On other transcripts: intron variant (2).
Genome position (GRCh38, 1-based): chr7:107,412,585, T>C on the plus strand (A>G on the coding strand, the complement: COG5 is on the minus strand). VCF-style: chr7-107412585-T-C. GRCh37 (hg19) VCF-style: chr7-107053030-T-C.
Other names: c.586A>G, p.Asn196Asp (NM_001161520.2, NM_001379511.1, NM_001379512.1 and 3 more transcripts); c.235-50475A>G (NM_001379516.1); c.539-114239A>G (NM_001379515.1); short protein forms N196D.
Identifiers: ClinVar variation 1390912 (VCV001390912.5), dbSNP rs201841638, ClinGen allele CA4431179.